The following is an entry in ClinVar:

NM_148919.4(PSMB8):c.710A>G (p.His237Arg)

Gene: PSMB8 (proteasome 20S subunit beta 8; minus strand). Cytogenetic location: 6p21.32.
Variant type: single nucleotide variant.
Coding change: c.710A>G on transcript NM_148919.4 (MANE Select); coding-DNA position 710, A replaced by G.
Protein change: p.His237Arg; replaces histidine 237 with arginine.
Molecular consequence: missense variant.
Genome position (GRCh38, 1-based): chr6:32,841,563, T>C on the plus strand (A>G on the coding strand, the complement: PSMB8 is on the minus strand). VCF-style: chr6-32841563-T-C. GRCh37 (hg19) VCF-style: chr6-32809340-T-C.
Other names: c.698A>G, p.His233Arg (NM_004159.5); c.710A>G (NM_148919.3); short protein forms H233R, H237R.
Identifiers: ClinVar variation 1441295 (VCV001441295.4), dbSNP rs1361855322, ClinGen allele CA363588382.

ClinVar aggregate classification (germline): Uncertain significance. Review status: criteria provided, multiple submitters, no conflicts (2 of 4 stars). 2 submissions from 2 submitters: Uncertain significance (2). Last evaluated 2025-01-01.

Conditions:
Inborn genetic diseases. Identifiers: MedGen C0950123, MeSH D030342.
Proteasome-associated autoinflammatory syndrome 1 (PRAAS1). Also called: JOINT CONTRACTURES, MUSCULAR ATROPHY, MICROCYTIC ANEMIA, AND PANNICULITIS-INDUCED LIPODYSTROPHY; JMP SYNDROME; AUTOINFLAMMATION, LIPODYSTROPHY, AND DERMATOSIS SYNDROME; NAKAJO-NISHIMURA SYNDROME; CHRONIC ATYPICAL NEUTROPHILIC DERMATOSIS WITH LIPODYSTROPHY AND ELEVATED TEMPERATURE SYNDROME; Nakajo syndrome. Identifiers: Orphanet 2615, Orphanet 324977, Orphanet 324999, Orphanet 325004, MedGen C4746851, MONDO:0054698, OMIM 256040.

Allele frequency attached by ClinVar (database versions not stated): gnomAD exomes below 0.00001 and 0.00001; TOPMed below 0.00001.

Submissions (2):

Ambry Genetics
Classification: Uncertain significance for Inborn genetic diseases. Last evaluated: 2025-01-01. Review status: criteria provided, single submitter. Criteria: Ambry Variant Classification Scheme 2023. Collection method: clinical testing. Allele origin: germline.

Labcorp Genetics (formerly Invitae), Labcorp
Classification: Uncertain significance for Proteosome-associated autoinflammatory syndrome. Last evaluated: 2022-03-29. Review status: criteria provided, single submitter. Criteria: Invitae Variant Classification Sherloc (09022015). Collection method: clinical testing. Allele origin: germline.
Comment: This sequence change replaces histidine, which is basic and polar, with arginine, which is basic and polar, at codon 237 of the PSMB8 protein (p.His237Arg). This variant is present in population databases (no rsID available, gnomAD 0.006%). This variant has not been reported in the literature in individuals affected with PSMB8-related conditions. Algorithms developed to predict the effect of missense changes on protein structure and function are either unavailable or do not agree on the potential impact of this missense change (SIFT: "Deleterious"; PolyPhen-2: "Probably Damaging"; Align-GVGD: "Class C0"). In summary, the available evidence is currently insufficient to determine the role of this variant in disease. Therefore, it has been classified as a Variant of Uncertain Significance.